The following is an entry in ClinVar:

ClinVar aggregate classification (germline): Uncertain significance. Review status: criteria provided, multiple submitters, no conflicts (2 of 4 stars). 2 submissions from 2 submitters: Uncertain significance (2). Last evaluated 2025-11-30.

Conditions:
Hereditary cancer-predisposing syndrome. Also called: Neoplastic Syndromes, Hereditary; Hereditary Cancer Syndrome; Hereditary neoplastic syndrome; Tumor predisposition. Identifiers: Orphanet 140162, MedGen C0027672, MeSH D009386, MONDO:0015356.
Gorlin syndrome. Also called: Nevoid Basal Cell Carcinoma Syndrome; Basal cell nevus syndrome. Identifiers: Orphanet 377, MedGen C0004779, MONDO:0007187.
Medulloblastoma (MDB). Also called: MEDULLOBLASTOMA PREDISPOSITION SYNDROME; Medulloblastoma, somatic. Identifiers: Orphanet 616, MedGen C0025149, MeSH D008527, MONDO:0007959, OMIM 155255, HP:0002885.

Submissions (2):

Labcorp Genetics (formerly Invitae), Labcorp
Classification: Uncertain significance for Gorlin syndrome; Medulloblastoma. Last evaluated: 2025-11-30. Review status: criteria provided, single submitter. Criteria: Invitae Variant Classification Sherloc (09022015). Collection method: clinical testing. Allele origin: germline.
Comment: This sequence change replaces alanine, which is neutral and non-polar, with glycine, which is neutral and non-polar, at codon 229 of the SUFU protein (p.Ala229Gly). This variant is not present in population databases (gnomAD no frequency). This variant has not been reported in the literature in individuals affected with SUFU-related conditions. ClinVar contains an entry for this variant (Variation ID: 826674). An algorithm developed to predict the effect of missense changes on protein structure and function (PolyPhen-2) suggests that this variant is likely to be disruptive. In summary, the available evidence is currently insufficient to determine the role of this variant in disease. Therefore, it has been classified as a Variant of Uncertain Significance.

Ambry Genetics
Classification: Uncertain significance for Hereditary cancer-predisposing syndrome. Last evaluated: 2025-11-19. Review status: criteria provided, single submitter. Criteria: Ambry Variant Classification Scheme 2023. Collection method: clinical testing. Allele origin: germline.
Comment: The p.A229G variant (also known as c.686C>G), located in coding exon 6 of the SUFU gene, results from a C to G substitution at nucleotide position 686. The alanine at codon 229 is replaced by glycine, an amino acid with similar properties. This amino acid position is highly conserved in available vertebrate species. In addition, the in silico prediction for this alteration is inconclusive. Since supporting evidence is limited at this time, the clinical significance of this alteration remains unclear.

NM_016169.4(SUFU):c.686C>G (p.Ala229Gly)

Gene: SUFU (SUFU negative regulator of hedgehog signaling; plus strand). Cytogenetic location: 10q24.32.
Variant type: single nucleotide variant.
Coding change: c.686C>G on transcript NM_016169.4 (MANE Select); coding-DNA position 686, C replaced by G.
Protein change: p.Ala229Gly; replaces alanine 229 with glycine.
Molecular consequence: missense variant.
Genome position (GRCh38, 1-based): chr10:102,593,995, C>G. VCF-style: chr10-102593995-C-G. GRCh37 (hg19) VCF-style: chr10-104353752-C-G.
Other names: c.686C>G, p.Ala229Gly (NM_001178133.2); short protein forms A229G.
Identifiers: ClinVar variation 826674 (VCV000826674.13), dbSNP rs1590063307, ClinGen allele CA377909703.
Genomic context (GRCh38, chr10:102,593,995, plus strand): 5'-CCCAGCCCATCAGCCCCAGACCCTCAGTTACCATTGTATCCCCTTTCCTTGTCCACAGTG[C>G]TGGCGGCCCCTGGCTGATAACTGACATGCGGAGGGGAGAGACCATATTTGAGATCGATCC-3'
Protein context (NP_057253.2, residues 219-239): ILELLRTVPI[Ala229Gly]GGPWLITDMR